The following is an entry in ClinVar:

NM_000371.4(TTR):c.149T>G (p.Val50Gly)

Gene: TTR (transthyretin; plus strand). Cytogenetic location: 18q12.1.
Variant type: single nucleotide variant.
Coding change: c.149T>G on transcript NM_000371.4 (MANE Select); coding-DNA position 149, T replaced by G.
Protein change: p.Val50Gly; replaces valine 50 with glycine.
Molecular consequence: missense variant.
Genome position (GRCh38, 1-based): chr18:31,592,975, T>G. VCF-style: chr18-31592975-T-G. GRCh37 (hg19) VCF-style: chr18-29172938-T-G.
Other names: V30G; short protein forms V50G.
Identifiers: ClinVar variation 13465 (VCV000013465.7), dbSNP rs79977247, ClinGen allele CA123118.

ClinVar aggregate classification (germline): Pathogenic. Review status: criteria provided, single submitter (1 of 4 stars). 2 submissions from 2 submitters: Pathogenic (1). 1 of the submissions does not count toward it. Last evaluated 2021-09-21.

Conditions:
Amyloidosis, hereditary systemic 1 (AMYLD1). Also called: Transthyretin Amyloidosis; Hereditary Transthyretin Amyloidosis; Isolated Cardiac Amyloidosis; Amyloid Cardiomyopathy, Transthyretin-related; Familial amyloid polyneuropathy; Hereditary oculoleptomeningeal amyloid angiopathy. Identifiers: Orphanet 85447, Orphanet 85451, MedGen C2751492, MONDO:0971004, OMIM 105210.

Submissions (2):

Labcorp Genetics (formerly Invitae), Labcorp
Classification: Pathogenic for Amyloidosis, hereditary systemic 1. Last evaluated: 2021-09-21. Review status: criteria provided, single submitter. Criteria: Invitae Variant Classification Sherloc (09022015). Collection method: clinical testing. Allele origin: germline.
Comment: ClinVar contains an entry for this variant (Variation ID: 13465). This variant is also known as Val30Gly. This missense change has been observed in individual(s) with hereditary transthyretin-mediated amyloidosis (hATTR amyloidosis) (PMID: 9066351, 24613567). It has also been observed to segregate with disease in related individuals. This variant is not present in population databases (ExAC no frequency). This sequence change replaces valine with glycine at codon 50 of the TTR protein (p.Val50Gly). The valine residue is highly conserved and there is a moderate physicochemical difference between valine and glycine. Advanced modeling of protein sequence and biophysical properties (such as structural, functional, and spatial information, amino acid conservation, physicochemical variation, residue mobility, and thermodynamic stability) performed at Invitae indicates that this missense variant is expected to disrupt TTR protein function. For these reasons, this variant has been classified as Pathogenic. This variant disrupts the p.Val50 amino acid residue in TTR. Other variant(s) that disrupt this residue have been determined to be pathogenic (PMID: 22620962, 22745357, 23833285, 24455802, 24555660, 26115788). This suggests that this residue is clinically significant, and that variants that disrupt this residue are likely to be disease-causing. Experimental studies have shown that this missense change affects TTR function (PMID: 15820680).

OMIM
Classification: Pathogenic for AMYLOIDOSIS, HEREDITARY SYSTEMIC 1. Last evaluated: 1997-03-01. Review status: no assertion criteria provided. Collection method: literature only. Allele origin: germline. Not counted in ClinVar's aggregate classification.

Literature cited by the submitters: PubMed 9066351 (cited by Labcorp Genetics (formerly Invitae), Labcorp and OMIM); PubMed 24613567 (cited by Labcorp Genetics (formerly Invitae), Labcorp); PubMed 22620962 (cited by Labcorp Genetics (formerly Invitae), Labcorp); PubMed 22745357 (cited by Labcorp Genetics (formerly Invitae), Labcorp); PubMed 23833285 (cited by Labcorp Genetics (formerly Invitae), Labcorp); PubMed 24455802 (cited by Labcorp Genetics (formerly Invitae), Labcorp); PubMed 24555660 (cited by Labcorp Genetics (formerly Invitae), Labcorp); PubMed 26115788 (cited by Labcorp Genetics (formerly Invitae), Labcorp); PubMed 15820680 (cited by Labcorp Genetics (formerly Invitae), Labcorp); PubMed 7417777 (cited by OMIM); Petersen, R. B., Tresser, N. J., Richardson, S. L., Gali, M., Goren, H., Gambetti, P. A family with oculoleptomeningeal amyloidosis and dementia has a mutation in the transthyretin gene (Abstract) J. Neuropath. Exp. Neurol. 54: 413-only, 1995. (cited by OMIM).